The following is an entry in ClinVar:

ClinVar aggregate classification (germline): Likely pathogenic (1 of 4 stars; one submission).

Conditions:
BODY MASS INDEX QUANTITATIVE TRAIT LOCUS 20 (BMIQ20). Also called: MELANOCORTIN 4 RECEPTOR DEFICIENCY; MC4R DEFICIENCY. Identifiers: MedGen C4759928, OMIM 618406.

Submission:

First Genomix Gene Laboratory, Genetic Diagnostics Department
Classification: Likely pathogenic for BODY MASS INDEX QUANTITATIVE TRAIT LOCUS 20. Last evaluated: 2025-09-04. Review status: criteria provided, single submitter. Criteria: ACMG Guidelines, 2015. Collection method: clinical testing. Allele origin: germline. Inheritance: Autosomal recessive inheritance. Affected: no. Observed: 1 variant allele.

NM_005912.3(MC4R):c.922G>T (p.Glu308Ter)

Gene: MC4R (melanocortin 4 receptor; minus strand). Cytogenetic location: 18q21.32.
Variant type: single nucleotide variant.
Coding change: c.922G>T on transcript NM_005912.3 (MANE Select); coding-DNA position 922, G replaced by T.
Protein change: p.Glu308Ter; replaces glutamic acid 308 with a stop codon.
Molecular consequence: nonsense.
Genome position (GRCh38, 1-based): chr18:60,371,428, C>A on the plus strand (G>T on the coding strand, the complement: MC4R is on the minus strand). VCF-style: chr18-60371428-C-A. GRCh37 (hg19) VCF-style: chr18-58038661-C-A.
Other names: short protein forms E308*.
Identifiers: ClinVar variation 4850278 (VCV004850278.1).